The following is an entry in ClinVar:

ClinVar aggregate classification (germline): Likely benign (1 of 4 stars; one submission).

Allele frequency attached by ClinVar (database versions not stated): ExAC 0.00001; TOPMed 0.00004; gnomAD exomes 0.00005; gnomAD 0.00006; ESP Exome Variant Server 0.00009.
gnomAD v4.1: 64 of 1,208,814 alleles (0.0053%); highest among the groups gnomAD compares: Non-Finnish European, 0.0068%; no homozygotes.

Submission:

CeGaT Center for Human Genetics Tuebingen
Classification: Likely benign. Last evaluated: 2022-12-01. Review status: criteria provided, single submitter. Criteria: CeGaT Center For Human Genetics Tuebingen Variant Classification Criteria Version 2. Collection method: clinical testing. Allele origin: germline. Affected: yes. Observed: 1 variant allele.
Comment: SSX1: BP4, BS2

NM_005635.4(SSX1):c.64A>C (p.Ser22Arg)

Gene: SSX1 (SSX family member 1; plus strand). Cytogenetic location: Xp11.23.
Variant type: single nucleotide variant.
Coding change: c.64A>C on transcript NM_005635.4 (MANE Select); coding-DNA position 64, A replaced by C.
Protein change: p.Ser22Arg; replaces serine 22 with arginine.
Molecular consequence: missense variant.
Genome position (GRCh38, 1-based): chrX:48,257,305, A>C. VCF-style: chrX-48257305-A-C. GRCh37 (hg19) VCF-style: chrX-48116740-A-C.
Other names: c.64A>C, p.Ser22Arg (NM_001278691.2); short protein forms S22R.
Identifiers: ClinVar variation 2660446 (VCV002660446.24), dbSNP rs372052783, ClinGen allele CA10401188.